The following is an entry in ClinVar:

NM_002834.5(PTPN11):c.1391G>C (p.Gly464Ala)

Gene: PTPN11 (protein tyrosine phosphatase non-receptor type 11; plus strand). Cytogenetic location: 12q24.13.
Variant type: single nucleotide variant.
Coding change: c.1391G>C on transcript NM_002834.5 (MANE Select); coding-DNA position 1391, G replaced by C.
Protein change: p.Gly464Ala; replaces glycine 464 with alanine.
Molecular consequence: missense variant.
Genome position (GRCh38, 1-based): chr12:112,488,454, G>C. VCF-style: chr12-112488454-G-C. GRCh37 (hg19) VCF-style: chr12-112926258-G-C.
Other names: p.G464A:GGC>GCC; NM_002834.5(PTPN11):c.1391G>C; c.1403G>C, p.Gly468Ala (NM_001330437.2); c.1388G>C, p.Gly463Ala (NM_001374625.1); short protein forms G464A, G468A, G463A.
Identifiers: ClinVar variation 13343 (VCV000013343.76), dbSNP rs121918469, ClinGen allele CA220131.

ClinVar aggregate classification (germline): Pathogenic. Review status: reviewed by expert panel (3 of 4 stars). 24 submissions from 24 submitters: Pathogenic (1). 23 of the submissions do not count toward it. Last evaluated 2025-12-09.

Conditions:
Autosomal dominant PTPN11-related disorders.
Noonan syndrome and Noonan-related syndrome. Identifiers: Orphanet 98733, MedGen C5681679, MONDO:0020297.
PTPN11-related disorder. Also called: PTPN11-Related Disorders.
Cardiovascular phenotype. Identifiers: MedGen CN230736.
Noonan syndrome (NS). Also called: Noonan's syndrome. Identifiers: Orphanet 648, MedGen C0028326, MeSH D009634, MONDO:0018997. Disease mechanism: gain of function.
Noonan syndrome with multiple lentigines. Identifiers: Orphanet 500, MedGen C0175704, MONDO:0007893.
Metachondromatosis (METCDS). Identifiers: Orphanet 2499, MedGen C0410530, MONDO:0007979, OMIM 156250.
Noonan syndrome 1 (NS1). Also called: TURNER PHENOTYPE WITH NORMAL KARYOTYPE; PTPN11-Related Noonan Syndrome; FEMALE PSEUDO-TURNER SYNDROME. Identifiers: Orphanet 648, MedGen C4551602, MONDO:0008104, OMIM 163950. Disease mechanism: gain of function.
LEOPARD syndrome 1 (LPRD1). Also called: LENTIGINOSIS, CARDIOMYOPATHIC; MULTIPLE LENTIGINES SYNDROME; PTPN11-Related LEOPARD Syndrome. Identifiers: Orphanet 500, MedGen C4551484, MONDO:0100082, OMIM 151100.
Juvenile myelomonocytic leukemia (JMML). Also called: LEUKEMIA, JUVENILE MYELOMONOCYTIC, SOMATIC. Identifiers: Orphanet 86834, MedGen C0349639, MONDO:0011908, OMIM 607785, HP:0012209.
RASopathy. Also called: rasopathies; Noonan spectrum disorder. Identifiers: Orphanet 536391, MedGen C5555857, MONDO:0021060.

Submissions 1 to 6 of 24:

ClinGen RASopathy Variant Curation Expert Panel
Classification: Pathogenic for RASopathy. Last evaluated: 2025-12-09. Review status: reviewed by expert panel. Criteria: ClinGen RASopathy ACMG Specifications PTPN11 V2.3.0. Collection method: curation. Allele origin: germline. Inheritance: Autosomal dominant inheritance.
Comment: The NM_002834.5:c.1391G>C variant in PTPN11 is a missense variant predicted to cause substitution of glycine by alanine at amino acid 464 (p.Gly464Ala). This variant is absent from gnomAD v2.1.1 (PM2_Supporting). The computational predictor REVEL gives a score of 0.985, which is above the threshold of 0.7, evidence that correlates with impact to PTPN11 function (PP3). The variant is located in the PTPN11 gene, which has been defined by the ClinGen RASopathy Expert Panel as a gene with a low rate of benign missense variants and pathogenic missense variants are common (PP2). The p.Gly464Ala variant has been identified in five probands with RASopathies, of which two were reported to be de novo occurrences with confirmed parentage and one with unconfirmed parentage (PS4, PS2_VeryStrong; PMIDs:15389709, 15470362, 25937001, 29602897, 38041506). Shp2 phosphatase assay and phospho-ERK assay showed decreased EGF-stimulated Shp2 activity and increased ERK1/2 phosphorylation for the p.Gly464Ala mutant compared to wild-type (PS3_moderate; PMID: 16377799, 24935154). In summary, this variant meets the criteria to be classified as pathogenic for autosomal dominant RASopathy based on the ACMG/AMP criteria applied, as specified by the ClinGen RASopathy VCEP: PS2_VeryStrong, PS4, PS3_Moderate, PM2_Supporting, PP2, PP3 (VCEP specifications version 2.3.0).

CeGaT Center for Human Genetics Tuebingen
Classification: Pathogenic. Last evaluated: 2026-05-01. Review status: criteria provided, single submitter. Criteria: CeGaT Center For Human Genetics Tuebingen Variant Classification Criteria Version 2. Collection method: clinical testing. Allele origin: germline. Affected: yes. Observed: 2 variant alleles. Not counted in ClinVar's aggregate classification.
Comment: PTPN11: PS2, PM2, PS4:Moderate, PP2, PP3, PS3:Supporting

PreventionGenetics, part of Exact Sciences
Classification: Pathogenic for PTPN11-related condition. Last evaluated: 2026-02-14. Review status: criteria provided, single submitter. Criteria: ACMG Guidelines, 2015. Collection method: clinical testing. Allele origin: germline. Not counted in ClinVar's aggregate classification.
Comment: The PTPN11 c.1391G>C variant is predicted to result in the amino acid substitution p.Gly464Ala. This variant is well documented to be causative in patients with Noonan syndrome with or without multiple lentigines (Sarkozy et al. 2004. PubMed ID: 15121796; Willig et al. 2015. PubMed ID: 25937001; Yu et al. 2019. PubMed ID: 30896080; Yoshida et al. 2004. PubMed ID: 15389709; Tartaglia et al. 2005. PubMed ID: 16358218; Ferrero et al. 2008. PubMed ID: 18678287; Ko et al. 2008. PubMed ID: 19020799). Consistent with other PTPN11 variants that cause Noonan syndrome with multiple lentigines, functional studies found this variant results in a loss of catalytic activity that results in a dominant negative effect (Kontaridis et al. 2006. PubMed ID: 16377799; Yu et al. 2014. PubMed ID: 24935154). This variant has not been reported in a large population database (gnomAD), indicating this variant is rare. This variant is interpreted as pathogenic.

Labcorp Genetics (formerly Invitae), Labcorp
Classification: Pathogenic for RASopathy. Last evaluated: 2025-10-23. Review status: criteria provided, single submitter. Criteria: Invitae Variant Classification Sherloc (09022015). Collection method: clinical testing. Allele origin: germline. Not counted in ClinVar's aggregate classification.
Comment: This sequence change replaces glycine, which is neutral and non-polar, with alanine, which is neutral and non-polar, at codon 464 of the PTPN11 protein (p.Gly464Ala). This variant is not present in population databases (gnomAD no frequency). This missense change has been observed in individual(s) with LEOPARD syndrome and Noonan syndrome (PMID: 15121796, 15389709, 16358218, 18678287, 19020799, 25937001). In at least one individual the variant was observed to be de novo. ClinVar contains an entry for this variant (Variation ID: 13343). Invitae Evidence Modeling incorporating data from in vitro experimental studies (internal data) indicates that this missense variant is expected to disrupt PTPN11 function with a positive predictive value of 95%. Experimental studies have shown that this missense change affects PTPN11 function (PMID: 16377799, 24935154). For these reasons, this variant has been classified as Pathogenic.

Variantyx, Inc.
Classification: Pathogenic for Autosomal dominant PTPN11-related disorders. Last evaluated: 2025-09-13. Review status: criteria provided, single submitter. Criteria: Variantyx Assertion Criteria 2022. Collection method: clinical testing. Allele origin: de novo. Inheritance: Autosomal dominant inheritance. Affected: yes. Not counted in ClinVar's aggregate classification.
Comment: This is a nonsynonymous variant in the PTPN11 gene (OMIM: 176876). Pathogenic variants in this gene have been associated with autosomal dominant PTPN11-related disorders. Of these disorders, this variant is associated with Noonan syndrome with multiple lentigines, and has been reported in several unrelated affected individuals (PMID: 15121796, 29602897, 25937001, 35325944, 38540404) (PS4). It likely occurred de novo in at least two individuals reported in the published literature; however, the possibility of parental germline mosaicism cannot be excluded (PMID: 29602897, 25937001) (PS2_Moderate). Functional studies have shown that this variant alters PTPN11 protein function (PMID: 16377799, 24718990) (PS3_Moderate) and multiple computational algorithms predict a deleterious effect for this variant (REVEL score: 0.985) (PP3). This variant is absent from control populations (PM2). Based on the current evidence, this variant is classified as pathogenic for autosomal dominant PTPN11-related disorders.

Women's Health and Genetics/Laboratory Corporation of America, LabCorp
Classification: Pathogenic for RASopathy. Last evaluated: 2024-11-04. Review status: criteria provided, single submitter. Criteria: LabCorp Variant Classification Summary - May 2015. Collection method: clinical testing. Allele origin: germline. Not counted in ClinVar's aggregate classification.
Comment: Variant summary: PTPN11 c.1391G>C (p.Gly464Ala) results in a non-conservative amino acid change located in the Protein tyrosine phosphatase, catalytic domain (IPR000242) of the encoded protein sequence. Five of five in-silico tools predict a damaging effect of the variant on protein function. The variant was absent in 251186 control chromosomes. c.1391G>C has been reported in the literature in individuals affected with Noonan Syndrome (e.g. Sarkozy_2004, Willig_2015, Yoshida_2004), and also observed De Novo. These data indicate that the variant is likely to be associated with disease. At least one publication reports experimental evidence evaluating an impact on protein function. The most pronounced variant effect results in a catalytically impaired enzyme (Kontaridis_2006). The following publications have been ascertained in the context of this evaluation (PMID: 15389709, 16377799, 15121796, 25937001). ClinVar contains an entry for this variant (Variation ID: 13343). Based on the evidence outlined above, the variant was classified as pathogenic.